The following is an entry in ClinVar:

ClinVar aggregate classification (germline): Uncertain significance (1 of 4 stars; one submission).

Conditions:
Neuromuscular disease caused by qualitative or quantitative defects of dystrophin. Also called: Qualitative or quantitative defects of dystrophin. Identifiers: Orphanet 207085, MedGen C5679787, MONDO:0016147.

Submission:

GeneDx
Classification: Uncertain significance. Last evaluated: 2021-04-13. Review status: criteria provided, single submitter. Criteria: GeneDx Variant Classification Process June 2021. Collection method: clinical testing. Allele origin: germline. Affected: yes.
Comment: Not observed in large population cohorts (Lek et al., 2016); In silico analysis supports that this missense variant has a deleterious effect on protein structure/function; Missense variant in a gene in which most reported pathogenic variants are truncating/loss-of-function; Has not been previously published as pathogenic or benign to our knowledge

NM_004006.3(DMD):c.9749A>C (p.Glu3250Ala)

Gene: DMD (dystrophin; minus strand). Cytogenetic location: Xp21.2.
Variant type: single nucleotide variant.
Coding change: c.9749A>C on transcript NM_004006.3 (MANE Select); coding-DNA position 9749, A replaced by C.
Protein change: p.Glu3250Ala; replaces glutamic acid 3250 with alanine.
Molecular consequence: missense variant.
Genome position (GRCh38, 1-based): chrX:31,204,019, T>G on the plus strand (A>C on the coding strand, the complement: DMD is on the minus strand). VCF-style: chrX-31204019-T-G. GRCh37 (hg19) VCF-style: chrX-31222136-T-G.
Other names: c.5717A>C, p.Glu1906Ala (NM_004012.4); c.2369A>C, p.Glu790Ala (NM_004013.3, NM_004020.4, NM_004021.3 and 2 more transcripts); c.1562A>C, p.Glu521Ala (NM_004014.3); c.545A>C, p.Glu182Ala (NM_004015.3, NM_004016.3, NM_004017.3 and 2 more transcripts); c.9725A>C, p.Glu3242Ala (NM_000109.4); c.9737A>C, p.Glu3246Ala (NM_004009.3); c.9380A>C, p.Glu3127Ala (NM_004010.3); c.5726A>C, p.Glu1909Ala (NM_004011.4); short protein forms E182A, E1906A, E1909A, E3127A, E3242A, E3246A, E3250A, E521A.
Identifiers: ClinVar variation 1314679 (VCV001314679.4), dbSNP rs2148540881, ClinGen allele CA412648504.
Genomic context (GRCh38, chrX:31,204,019, plus strand): 5'-ACAAATTGGAAGCAGCTCCGGACACTTGGCTCAATGTTACTGCCCCCAAAGGATGCAACT[T>G]CACCCAACTGTCTTGGAATTTGGATAGAATCATGCAGAAGGAGGCCCAGCCTGCGCTGGT-3'
Protein context (NP_003997.2, residues 3240-3260): DSIQIPRQLG[Glu3250Ala]VASFGGSNIE